The following is an entry in ClinVar:

NM_017986.4(SLC52A1):c.610del (p.Leu204fs)

Gene: SLC52A1 (solute carrier family 52 member 1; minus strand). Cytogenetic location: 17p13.2.
Variant type: Deletion.
Coding change: c.610del on transcript NM_017986.4 (MANE Select); coding-DNA position 610, one base deleted (C; older notation c.610delC).
Protein change: p.Leu204fs; shifts the reading frame from leucine 204.
Molecular consequence: frameshift variant.
Genome position (GRCh38, 1-based): chr17:5,033,879, G deleted on the plus strand (C on the coding strand, the reverse complement: SLC52A1 is on the minus strand). VCF-style (leftmost placement, unchanged base first): chr17-5033878-AG-A. GRCh37 (hg19) VCF-style: chr17-4937173-AG-A.
Other names: c.610del, p.Leu204fs (NM_001104577.2); short protein forms L204fs.
Identifiers: ClinVar variation 4771686 (VCV004771686.1).

ClinVar aggregate classification (germline): Uncertain significance (1 of 4 stars; one submission).

Conditions:
Vitamin B2 deficiency. Identifiers: MedGen C0035528.

Submission:

Labcorp Genetics (formerly Invitae), Labcorp
Classification: Uncertain significance for Vitamin B2 deficiency. Last evaluated: 2025-11-12. Review status: criteria provided, single submitter. Criteria: Invitae Variant Classification Sherloc (09022015). Collection method: clinical testing. Allele origin: germline.
Comment: This sequence change creates a premature translational stop signal (p.Leu204Trpfs*21) in the SLC52A1 gene. It is expected to result in an absent or disrupted protein product. However, the current clinical and genetic evidence is not sufficient to establish whether loss-of-function variants in SLC52A1 cause disease. This variant is present in population databases (rs765403216, gnomAD 0.01%). This variant has not been reported in the literature in individuals affected with SLC52A1-related conditions. In summary, the available evidence is currently insufficient to determine the role of this variant in disease. Therefore, it has been classified as a Variant of Uncertain Significance.